The following is an entry in ClinVar:

ClinVar aggregate classification (germline): Likely benign. Review status: criteria provided, multiple submitters, no conflicts (2 of 4 stars). 2 submissions from 2 submitters: Likely benign (2). Last evaluated 2025-07-31.

Conditions:
PCARE-related disorder. Also called: PCARE-related condition.

Allele frequency attached by ClinVar (database versions not stated): gnomAD exomes below 0.00001; ExAC 0.00001; gnomAD 0.00001; TOPMed 0.00001.
gnomAD v4.1: 4 of 1,584,074 alleles (0.00025%); highest among the groups gnomAD compares: African/African-American, 0.0054%; no homozygotes.

Submissions (2):

PreventionGenetics, part of Exact Sciences
Classification: Likely benign for PCARE-related condition. Last evaluated: 2025-07-31. Review status: criteria provided, single submitter. Criteria: ACMG Guidelines, 2015. Collection method: clinical testing. Allele origin: germline.
Comment: This variant is classified as likely benign based on ACMG/AMP sequence variant interpretation guidelines (Richards et al. 2015 PMID: 25741868, with internal and published modifications).

Labcorp Genetics (formerly Invitae), Labcorp
Classification: Likely benign. Last evaluated: 2022-02-24. Review status: criteria provided, single submitter. Criteria: Invitae Variant Classification Sherloc (09022015). Collection method: clinical testing. Allele origin: germline.

NM_001029883.3(PCARE):c.3087C>T (p.Pro1029=)

Gene: PCARE (photoreceptor cilium actin regulator; minus strand). Cytogenetic location: 2p23.2.
Variant type: single nucleotide variant.
Coding change: c.3087C>T on transcript NM_001029883.3 (MANE Select); coding-DNA position 3087, C replaced by T.
Protein change: p.Pro1029=; no amino-acid change (proline 1029 retained).
Molecular consequence: synonymous variant.
Genome position (GRCh38, 1-based): chr2:29,071,175, G>A on the plus strand (C>T on the coding strand, the complement: PCARE is on the minus strand). VCF-style: chr2-29071175-G-A. GRCh37 (hg19) VCF-style: chr2-29294041-G-A.
Other names: c.3087C>T (NM_001029883.2).
Identifiers: ClinVar variation 1614141 (VCV001614141.9), dbSNP rs771198527, ClinGen allele CA1592028.